The following is an entry in ClinVar:

ClinVar aggregate classification (germline): Uncertain significance (1 of 4 stars; one submission).

Conditions:
Cardiovascular phenotype. Identifiers: MedGen CN230736.

gnomAD v4.1: 2 of 1,540,046 alleles (0.00013%); highest among the groups gnomAD compares: Admixed American, 0.002%; no homozygotes.

Submission:

Ambry Genetics
Classification: Uncertain significance for Cardiovascular phenotype. Last evaluated: 2024-07-25. Review status: criteria provided, single submitter. Criteria: Ambry Variant Classification Scheme 2023. Collection method: clinical testing. Allele origin: germline.
Comment: The p.R43S variant (also known as c.127C>A), located in coding exon 1 of the LOX gene, results from a C to A substitution at nucleotide position 127. The arginine at codon 43 is replaced by serine, an amino acid with dissimilar properties. This amino acid position is conserved. In addition, this alteration is predicted to be tolerated by in silico analysis. Based on the available evidence, the clinical significance of this variant remains unclear.

NM_002317.7(LOX):c.127C>A (p.Arg43Ser)

Genes: LOX (lysyl oxidase; minus strand), SRFBP1 (serum response factor binding protein 1; plus strand). Cytogenetic location: 5q23.1.
Variant type: single nucleotide variant.
Coding change: c.127C>A on transcript NM_002317.7 (MANE Select); coding-DNA position 127, C replaced by A.
Protein change: p.Arg43Ser; replaces arginine 43 with serine.
Molecular consequence: missense variant.
Genome position (GRCh38, 1-based): chr5:122,077,859, G>T on the plus strand (C>A on the coding strand, the complement: LOX is on the minus strand). VCF-style: chr5-122077859-G-T. GRCh37 (hg19) VCF-style: chr5-121413554-G-T.
Other names: short protein forms R43S.
Identifiers: ClinVar variation 3538989 (VCV003538989.1).